The following is an entry in ClinVar:

ClinVar aggregate classification (germline): Uncertain significance (1 of 4 stars; one submission).

gnomAD v4.1: 19 of 1,613,910 alleles (0.0012%); highest among the groups gnomAD compares: South Asian, 0.02%; no homozygotes.

Submission:

Ambry Genetics
Classification: Uncertain significance. Last evaluated: 2026-05-10. Review status: criteria provided, single submitter. Criteria: Ambry Variant Classification Scheme 2023. Collection method: clinical testing. Allele origin: germline.
Comment: The c.3445C>T (p.L1149F) alteration is located in exon 24 (coding exon 24) of the SPTA1 gene. This alteration results from a C to T substitution at nucleotide position 3445, causing the leucine (L) at amino acid position 1149 to be replaced by a phenylalanine (F). Based on data from gnomAD, the T allele has an overall frequency of 0.003% (8/249534) total alleles studied. The highest observed frequency was 0.026% (8/30600) of South Asian alleles. Based on insufficient or conflicting evidence, the clinical significance of this alteration remains unclear.

NM_003126.4(SPTA1):c.3445C>T (p.Leu1149Phe)

Gene: SPTA1 (spectrin alpha, erythrocytic 1; minus strand). Cytogenetic location: 1q23.1.
Variant type: single nucleotide variant.
Coding change: c.3445C>T on transcript NM_003126.4 (MANE Select); coding-DNA position 3445, C replaced by T.
Protein change: p.Leu1149Phe; replaces leucine 1149 with phenylalanine.
Molecular consequence: missense variant.
Genome position (GRCh38, 1-based): chr1:158,651,399, G>A on the plus strand (C>T on the coding strand, the complement: SPTA1 is on the minus strand). VCF-style: chr1-158651399-G-A. GRCh37 (hg19) VCF-style: chr1-158621189-G-A.
Other names: short protein forms L1149F.
Identifiers: ClinVar variation 4865058 (VCV004865058.1).